The following is an entry in ClinVar:

NM_000701.8(ATP1A1):c.1655T>C (p.Val552Ala)

Genes: ATP1A1 (ATPase Na+/K+ transporting subunit alpha 1; plus strand), ATP1A1-AS1 (ATP1A1 antisense RNA 1; minus strand). Cytogenetic location: 1p13.1.
Variant type: single nucleotide variant.
Coding change: c.1655T>C on transcript NM_000701.8 (MANE Select); coding-DNA position 1655, T replaced by C.
Protein change: p.Val552Ala; replaces valine 552 with alanine.
Molecular consequence: missense variant.
Genome position (GRCh38, 1-based): chr1:116,393,718, T>C. VCF-style: chr1-116393718-T-C. GRCh37 (hg19) VCF-style: chr1-116936340-T-C.
Other names: c.1655T>C, p.Val552Ala (NM_001160233.2); c.1562T>C, p.Val521Ala (NM_001160234.2); short protein forms V521A, V552A.
Identifiers: ClinVar variation 3691490 (VCV003691490.2).

ClinVar aggregate classification (germline): Uncertain significance (1 of 4 stars; one submission).

Submission:

Labcorp Genetics (formerly Invitae), Labcorp
Classification: Uncertain significance. Last evaluated: 2024-04-04. Review status: criteria provided, single submitter. Criteria: Invitae Variant Classification Sherloc (09022015). Collection method: clinical testing. Allele origin: germline.
Comment: This sequence change replaces valine, which is neutral and non-polar, with alanine, which is neutral and non-polar, at codon 552 of the ATP1A1 protein (p.Val552Ala). This variant is not present in population databases (gnomAD no frequency). This variant has not been reported in the literature in individuals affected with ATP1A1-related conditions. Advanced modeling of protein sequence and biophysical properties (such as structural, functional, and spatial information, amino acid conservation, physicochemical variation, residue mobility, and thermodynamic stability) performed at Invitae indicates that this missense variant is not expected to disrupt ATP1A1 protein function with a negative predictive value of 80%. In summary, the available evidence is currently insufficient to determine the role of this variant in disease. Therefore, it has been classified as a Variant of Uncertain Significance.